The following is an entry in ClinVar:

ClinVar aggregate classification (germline): Uncertain significance (1 of 4 stars; one submission).

Conditions:
Cardiac arrhythmia. Also called: Arrhythmia; Cardiac rhythm disease. Identifiers: MedGen C0003811, MONDO:0007263, HP:0011675.

Submission:

Color Diagnostics, LLC DBA Color Health
Classification: Uncertain significance for Cardiac arrhythmia. Last evaluated: 2022-02-17. Review status: criteria provided, single submitter. Criteria: ACMG Guidelines, 2015. Collection method: clinical testing. Allele origin: germline.
Comment: This variant causes an in-frame deletion of eight amino acids at exon 12 the KCNH2 protein. To our knowledge, functional studies have not been reported for this variant. This variant has not been reported in individuals affected with cardiovascular disorders in the literature. This variant has not been identified in the general population by the Genome Aggregation Database (gnomAD). The available evidence is insufficient to determine the role of this variant in disease conclusively. Therefore, this variant is classified as a Variant of Uncertain Significance.

NM_000238.4(KCNH2):c.2823_2846del (p.Glu942_Ser949del)

Gene: KCNH2 (potassium voltage-gated channel subfamily H member 2; minus strand). Cytogenetic location: 7q36.1.
Variant type: Deletion.
Coding change: c.2823_2846del on transcript NM_000238.4 (MANE Select); coding-DNA positions 2823 to 2846, 24 bases deleted (TGAGGATGAGGGCCCAGGCCGCAG).
Protein change: p.Glu942_Ser949del.
Molecular consequence: inframe deletion.
Genome position (GRCh38, 1-based): chr7:150,947,725-150,947,748, CTGCGGCCTGGGCCCTCATCCTCA deleted on the plus strand (TGAGGATGAGGGCCCAGGCCGCAG on the coding strand, the reverse complement: KCNH2 is on the minus strand); deleting any 24 consecutive bases within chr7:150,947,725-150,947,752 gives the same sequence; the c. name uses the placement nearest the transcript's 3' end. VCF-style (leftmost placement, unchanged base first): chr7-150947724-GCTGCGGCCTGGGCCCTCATCCTCA-G. GRCh37 (hg19) VCF-style: chr7-150644812-GCTGCGGCCTGGGCCCTCATCCTCA-G.
Other names: c.2535_2558del, p.Glu846_Ser853del (NM_001406753.1); c.1803_1826del, p.Glu602_Ser609del (NM_172057.3).
Identifiers: ClinVar variation 2773422 (VCV002773422.2), dbSNP rs2486007348, ClinGen allele CA2579062904.